The following is an entry in ClinVar:

ClinVar aggregate classification (germline): Uncertain significance. Review status: criteria provided, multiple submitters, no conflicts (2 of 4 stars). 2 submissions from 2 submitters: Uncertain significance (2). Last evaluated 2025-05-14.

Conditions:
PKD1-related disorder. Also called: PKD1-related condition.

gnomAD v4.1: 3 of 1,168,216 alleles (0.00026%); highest among the groups gnomAD compares: African/African-American, 0.0017%; no homozygotes.

Submissions (2):

PreventionGenetics, part of Exact Sciences
Classification: Uncertain significance for PKD1-related condition. Last evaluated: 2025-05-14. Review status: criteria provided, single submitter. Criteria: ACMG Guidelines, 2015. Collection method: clinical testing. Allele origin: germline.
Comment: The PKD1 c.11711C>T variant is predicted to result in the amino acid substitution p.Ser3904Leu. To our knowledge, this variant has not been reported in the literature or in a large population database (gnomAD), indicating this variant is rare. An alternative amino acid substitution at the same codon, p.Ser3904Trp, has been reported in an individual with ADPKD (Suppl Table 1. Cornec-Le Gall et al. 2013. PubMed ID: 23431072). In addition, the variant, p.Ser3904Trp, has been reported multiple times in a genetic analysis of Japanese patients with ADPKD (Table S1. Kimura et al. 2023. PubMed ID: 37509056). These studies indicate that the amino acid codon, p.Ser3904, is of functional importance. Although we suspect that this variant, p.Ser3904Leu, may be pathogenic, at this time, the clinical significance of this variant is uncertain due to the absence of conclusive functional and genetic evidence.

GeneDx
Classification: Uncertain significance. Last evaluated: 2024-03-31. Review status: criteria provided, single submitter. Criteria: GeneDx Variant Classification Process June 2021. Collection method: clinical testing. Allele origin: germline. Affected: yes.
Comment: Not observed at significant frequency in large population cohorts (gnomAD); In silico analysis supports that this missense variant does not alter protein structure/function; Has not been previously published as pathogenic or benign to our knowledge

NM_001009944.3(PKD1):c.11711C>T (p.Ser3904Leu)

Gene: PKD1 (polycystin 1, transient receptor potential channel interacting; minus strand). Cytogenetic location: 16p13.3.
Variant type: single nucleotide variant.
Coding change: c.11711C>T on transcript NM_001009944.3 (MANE Select); coding-DNA position 11711, C replaced by T.
Protein change: p.Ser3904Leu; replaces serine 3904 with leucine.
Molecular consequence: missense variant.
Genome position (GRCh38, 1-based): chr16:2,091,424, G>A on the plus strand (C>T on the coding strand, the complement: PKD1 is on the minus strand). VCF-style: chr16-2091424-G-A. GRCh37 (hg19) VCF-style: chr16-2141425-G-A.
Other names: c.11708C>T, p.Ser3903Leu (NM_000296.4); short protein forms S3903L, S3904L.
Identifiers: ClinVar variation 3371718 (VCV003371718.2).